The following is an entry in ClinVar:

NM_152424.4(AMER1):c.3011C>T (p.Ser1004Leu)

Gene: AMER1 (APC membrane recruitment protein 1; minus strand). Cytogenetic location: Xq11.2.
Variant type: single nucleotide variant.
Coding change: c.3011C>T on transcript NM_152424.4 (MANE Select); coding-DNA position 3011, C replaced by T.
Protein change: p.Ser1004Leu; replaces serine 1004 with leucine.
Molecular consequence: missense variant.
Genome position (GRCh38, 1-based): chrX:64,190,276, G>A on the plus strand (C>T on the coding strand, the complement: AMER1 is on the minus strand). VCF-style: chrX-64190276-G-A. GRCh37 (hg19) VCF-style: chrX-63410156-G-A.
Other names: short protein forms S1004L.
Identifiers: ClinVar variation 2823765 (VCV002823765.3), dbSNP rs1026604955, ClinGen allele CA329955173.

ClinVar aggregate classification (germline): Uncertain significance (1 of 4 stars; one submission).

Submission:

Labcorp Genetics (formerly Invitae), Labcorp
Classification: Uncertain significance. Last evaluated: 2024-05-07. Review status: criteria provided, single submitter. Criteria: Invitae Variant Classification Sherloc (09022015). Collection method: clinical testing. Allele origin: germline.
Comment: This sequence change replaces serine, which is neutral and polar, with leucine, which is neutral and non-polar, at codon 1004 of the AMER1 protein (p.Ser1004Leu). This variant is not present in population databases (gnomAD no frequency). This variant has not been reported in the literature in individuals affected with AMER1-related conditions. An algorithm developed to predict the effect of missense changes on protein structure and function (PolyPhen-2) suggests that this variant is likely to be tolerated. In summary, the available evidence is currently insufficient to determine the role of this variant in disease. Therefore, it has been classified as a Variant of Uncertain Significance.